The following is an entry in ClinVar:

ClinVar aggregate classification (germline): Likely pathogenic (1 of 4 stars; one submission).

Submission:

GeneDx
Classification: Likely pathogenic. Last evaluated: 2013-10-08. Review status: criteria provided, single submitter. Criteria: GeneDx Variant Classification (06012015). Collection method: clinical testing. Allele origin: germline. Affected: yes.
Comment: c.2666_2668delCTC: p.Ser889del (S889del) in exon 19 of the SPTAN1 gene (NM_001130438.2). The normal sequence with the bases that are deleted in braces is: GACT{CTC}TGCA. The c.2666_2668delCTC variant has not been published as pathogenic, nor has it been reported as a benign polymorphism to our knowledge. It results in an in-frame deletion of a single Serine residue at a conserved position in the spectrin 9 repeat. Previously reported pathogenic variants in SPTAN1 include in-frame deletions or duplications located within the last four spectrin repeats of the protein, which are essential for dimerization (Saitsu et al., 2010), and the p.Ser889 residue is outside this region. Therefore, based on the currently available information, it is likely this variant is a pathogenic variant; however, the possibility that it is a benign variant cannot be completely excluded.

NM_001130438.3(SPTAN1):c.2666_2668del (p.Ser889del)

Gene: SPTAN1 (spectrin alpha, non-erythrocytic 1; plus strand). Cytogenetic location: 9q34.11.
Variant type: Deletion.
Coding change: c.2666_2668del on transcript NM_001130438.3 (MANE Select); coding-DNA positions 2666 to 2668, 3 bases deleted (CTC; older notation c.2666_2668delCTC).
Protein change: p.Ser889del; deletes serine 889.
Molecular consequence: inframe deletion.
Genome position (GRCh38, 1-based): chr9:128,585,853-128,585,855, CTC deleted. VCF-style (leftmost placement, unchanged base first): chr9-128585852-TCTC-T. GRCh37 (hg19) VCF-style: chr9-131348131-TCTC-T.
Other names: c.2666_2668del, p.Ser889del (NM_001195532.2, NM_001363759.2, NM_001363765.2 and 1 more transcripts); short protein forms S889del.
Identifiers: ClinVar variation 207367 (VCV000207367.2), dbSNP rs796053332, ClinGen allele CA318763.